The following is an entry in ClinVar:

ClinVar aggregate classification (germline): Uncertain significance (1 of 4 stars; one submission).

Submission:

Labcorp Genetics (formerly Invitae), Labcorp
Classification: Uncertain significance. Last evaluated: 2023-09-17. Review status: criteria provided, single submitter. Criteria: Invitae Variant Classification Sherloc (09022015). Collection method: clinical testing. Allele origin: germline.
Comment: In summary, the available evidence is currently insufficient to determine the role of this variant in disease. Therefore, it has been classified as a Variant of Uncertain Significance. Advanced modeling of protein sequence and biophysical properties (such as structural, functional, and spatial information, amino acid conservation, physicochemical variation, residue mobility, and thermodynamic stability) performed at Invitae indicates that this missense variant is expected to disrupt ACTN1 protein function. This variant has not been reported in the literature in individuals affected with ACTN1-related conditions. This variant is not present in population databases (gnomAD no frequency). This sequence change replaces alanine, which is neutral and non-polar, with glycine, which is neutral and non-polar, at codon 639 of the ACTN1 protein (p.Ala639Gly).

NM_001130004.2(ACTN1):c.1916C>G (p.Ala639Gly)

Gene: ACTN1 (actinin alpha 1; minus strand). Cytogenetic location: 14q24.1.
Variant type: single nucleotide variant.
Coding change: c.1916C>G on transcript NM_001130004.2 (MANE Select); coding-DNA position 1916, C replaced by G.
Protein change: p.Ala639Gly; replaces alanine 639 with glycine.
Molecular consequence: missense variant.
Genome position (GRCh38, 1-based): chr14:68,882,495, G>C on the plus strand (C>G on the coding strand, the complement: ACTN1 is on the minus strand). VCF-style: chr14-68882495-G-C. GRCh37 (hg19) VCF-style: chr14-69349212-G-C.
Other names: c.2042C>G, p.Ala681Gly (NM_001424013.1); c.1916C>G, p.Ala639Gly (NM_001424014.1, NM_001424023.1, NM_001102.4 and 2 more transcripts); c.2003C>G, p.Ala668Gly (NM_001424015.1); c.1940C>G, p.Ala647Gly (NM_001424016.1, NM_001411035.1); c.1913C>G, p.Ala638Gly (NM_001424017.1); c.1877C>G, p.Ala626Gly (NM_001424018.1); c.1733C>G, p.Ala578Gly (NM_001424019.1, NM_001424024.1, NM_001424025.1 and 2 more transcripts); c.1853C>G, p.Ala618Gly (NM_001424020.1, NM_001424022.1); and 3 more; short protein forms A618G, A639G, A638G, A668G, A681G, A626G, A364G, A574G.
Identifiers: ClinVar variation 2906590 (VCV002906590.3), dbSNP rs2031640106, ClinGen allele CA390182832.